The following is an entry in ClinVar:

NM_004990.4(MARS1):c.1366A>G (p.Lys456Glu)

Gene: MARS1 (methionyl-tRNA synthetase 1; plus strand). Cytogenetic location: 12q13.3.
Variant type: single nucleotide variant.
Coding change: c.1366A>G on transcript NM_004990.4 (MANE Select); coding-DNA position 1366, A replaced by G.
Protein change: p.Lys456Glu; replaces lysine 456 with glutamic acid.
Molecular consequence: missense variant.
Genome position (GRCh38, 1-based): chr12:57,504,297, A>G. VCF-style: chr12-57504297-A-G. GRCh37 (hg19) VCF-style: chr12-57898080-A-G.
Other names: short protein forms K456E.
Identifiers: ClinVar variation 583262 (VCV000583262.8), dbSNP rs1395622723, ClinGen allele CA385459091.

ClinVar aggregate classification (germline): Uncertain significance (1 of 4 stars; one submission).

Conditions:
Severe early-onset pulmonary alveolar proteinosis due to MARS deficiency. Also called: PULMONARY ALVEOLAR PROTEINOSIS, REUNION ISLAND; Interstitial lung and liver disease. Identifiers: Orphanet 440427, MedGen C4225400, MONDO:0014206, OMIM 615486.
Charcot-Marie-Tooth disease axonal type 2U. Also called: CHARCOT-MARIE-TOOTH NEUROPATHY, TYPE 2U; CHARCOT-MARIE-TOOTH DISEASE, AXONAL, AUTOSOMAL DOMINANT, TYPE 2U. Identifiers: Orphanet 397735, MedGen C4084821, MONDO:0014566, OMIM 616280.

Allele frequency attached by ClinVar (database versions not stated): gnomAD exomes below 0.00001; TOPMed below 0.00001; gnomAD 0.00001.
gnomAD v4.1: 12 of 1,613,840 alleles (0.00074%); highest among the groups gnomAD compares: Non-Finnish European, 0.00093%; no homozygotes.

Submission:

Labcorp Genetics (formerly Invitae), Labcorp
Classification: Uncertain significance for Charcot-Marie-Tooth disease axonal type 2U; Severe early-onset pulmonary alveolar proteinosis due to MARS deficiency. Last evaluated: 2024-04-27. Review status: criteria provided, single submitter. Criteria: Invitae Variant Classification Sherloc (09022015). Collection method: clinical testing. Allele origin: germline.
Comment: This sequence change replaces lysine, which is basic and polar, with glutamic acid, which is acidic and polar, at codon 456 of the MARS protein (p.Lys456Glu). This variant is present in population databases (no rsID available, gnomAD 0.0009%). This variant has not been reported in the literature in individuals affected with MARS-related conditions. ClinVar contains an entry for this variant (Variation ID: 583262). An algorithm developed to predict the effect of missense changes on protein structure and function (PolyPhen-2) suggests that this variant is likely to be tolerated. In summary, the available evidence is currently insufficient to determine the role of this variant in disease. Therefore, it has been classified as a Variant of Uncertain Significance.